The following is an entry in ClinVar:

ClinVar aggregate classification (germline): Uncertain significance (1 of 4 stars; one submission).

Conditions:
Hereditary cancer-predisposing syndrome. Also called: Hereditary neoplastic syndrome; Neoplastic Syndromes, Hereditary; Tumor predisposition; Hereditary Cancer Syndrome. Identifiers: Orphanet 140162, MedGen C0027672, MeSH D009386, MONDO:0015356.

Submission:

Ambry Genetics
Classification: Uncertain significance for Hereditary cancer-predisposing syndrome. Last evaluated: 2025-02-14. Review status: criteria provided, single submitter. Criteria: Ambry Variant Classification Scheme 2023. Collection method: clinical testing. Allele origin: germline.
Comment: The p.H418L variant (also known as c.1253A>T), located in coding exon 11 of the EGFR gene, results from an A to T substitution at nucleotide position 1253. The histidine at codon 418 is replaced by leucine, an amino acid with similar properties. This amino acid position is not well conserved in available vertebrate species. In addition, this alteration is predicted to be tolerated by in silico analysis. Based on the available evidence, the clinical significance of this variant remains unclear.

NM_005228.5(EGFR):c.1253A>T (p.His418Leu)

Gene: EGFR (epidermal growth factor receptor; plus strand). Cytogenetic location: 7p11.2.
Variant type: single nucleotide variant.
Coding change: c.1253A>T on transcript NM_005228.5 (MANE Select); coding-DNA position 1253, A replaced by T.
Protein change: p.His418Leu; replaces histidine 418 with leucine.
Molecular consequence: missense variant.
Genome position (GRCh38, 1-based): chr7:55,157,708, A>T. VCF-style: chr7-55157708-A-T. GRCh37 (hg19) VCF-style: chr7-55225401-A-T.
Other names: c.1118A>T, p.His373Leu (NM_001346897.2, NM_001346899.2); c.1253A>T, p.His418Leu (NM_001346898.2, NM_201282.2, NM_201284.2); c.1094A>T, p.His365Leu (NM_001346900.2); c.452A>T, p.His151Leu (NM_001346941.2); short protein forms H365L, H373L, H151L, H418L.
Identifiers: ClinVar variation 3843822 (VCV003843822.1).